The following is an entry in ClinVar:

NM_001330078.2(NRXN1):c.2285A>G (p.Asp762Gly)

Gene: NRXN1 (neurexin 1; minus strand). Cytogenetic location: 2p16.3.
Variant type: single nucleotide variant.
Coding change: c.2285A>G on transcript NM_001330078.2 (MANE Select); coding-DNA position 2285, A replaced by G.
Protein change: p.Asp762Gly; replaces aspartic acid 762 with glycine.
Molecular consequence: missense variant.
Genome position (GRCh38, 1-based): chr2:50,531,289, T>C on the plus strand (A>G on the coding strand, the complement: NRXN1 is on the minus strand). VCF-style: chr2-50531289-T-C. GRCh37 (hg19) VCF-style: chr2-50758427-T-C.
Other names: c.2405A>G, p.Asp802Gly (NM_001135659.3); c.2261A>G, p.Asp754Gly (NM_001330077.2, NM_001330082.2, NM_001330095.2); c.2246A>G, p.Asp749Gly (NM_001330083.2, NM_001330084.2); c.2285A>G, p.Asp762Gly (NM_001330085.2, NM_001330086.2, NM_004801.6); c.2201A>G, p.Asp734Gly (NM_001330087.2, NM_001330096.2); c.2231A>G, p.Asp744Gly (NM_001330088.2); c.2282A>G, p.Asp761Gly (NM_001330093.2); c.2273A>G, p.Asp758Gly (NM_001330094.2); short protein forms D744G, D802G, D734G, D749G, D754G, D758G, D761G, D762G.
Identifiers: ClinVar variation 1033729 (VCV001033729.1), dbSNP rs2093098989, ClinGen allele CA346769525.
Genomic context (GRCh38, chr2:50,531,289, plus strand): 5'-AGATTGACCGTCAGTTTCACACGTCCTGCGTCTAGCTCCAGGCGGAGGGTGTCAGCAGAG[T>C]CTCTAGAAGTGGTTGCCATCAGAATGCCATATGCACGCTGGGATCGGAACCGTAAGGAAA-3'
Protein context (NP_001317007.1, residues 752-772): YGILMATTSR[Asp762Gly]SADTLRLELD

ClinVar aggregate classification (germline): Uncertain significance (1 of 4 stars; one submission).

Conditions:
Pitt-Hopkins-like syndrome 2 (PTHSL2). Identifiers: Orphanet 221150, Orphanet 600663, MedGen C3280479, MONDO:0013690, OMIM 614325.

Allele frequency attached by ClinVar (database versions not stated): TOPMed below 0.00001; gnomAD 0.00001.

Submission:

Baylor Genetics
Classification: Uncertain significance for Pitt-Hopkins-like syndrome 2. Last evaluated: 2018-05-25. Review status: criteria provided, single submitter. Criteria: ACMG Guidelines, 2015. Collection method: clinical testing. Allele origin: paternal. Affected: yes.
Comment: This variant was determined to be of uncertain significance according to ACMG Guidelines, 2015 [PMID:25741868].